The following is an entry in ClinVar:

ClinVar aggregate classification (germline): Uncertain significance (1 of 4 stars; one submission).

Conditions:
Dyskeratosis congenita, autosomal dominant 6 (DKCA6). Identifiers: Orphanet 3322, MedGen C4225284, MONDO:0014690, OMIM 616553.

Submission:

Labcorp Genetics (formerly Invitae), Labcorp
Classification: Uncertain significance for Dyskeratosis congenita, autosomal dominant 6. Last evaluated: 2024-12-03. Review status: criteria provided, single submitter. Criteria: Invitae Variant Classification Sherloc (09022015). Collection method: clinical testing. Allele origin: germline.
Comment: This variant, c.1253_1279del, results in the deletion of 9 amino acid(s) of the ACD protein (p.His418_Pro426del), but otherwise preserves the integrity of the reading frame. This variant is present in population databases (no rsID available, gnomAD 0.002%). This variant has not been reported in the literature in individuals affected with ACD-related conditions. Experimental studies and prediction algorithms are not available or were not evaluated, and the functional significance of this variant is currently unknown. In summary, the available evidence is currently insufficient to determine the role of this variant in disease. Therefore, it has been classified as a Variant of Uncertain Significance.

NM_001082486.2(ACD):c.995_1021del (p.His332_Pro340del)

Gene: ACD (ACD shelterin complex subunit and telomerase recruitment factor; minus strand). Cytogenetic location: 16q22.1.
Variant type: Deletion.
Coding change: c.995_1021del on transcript NM_001082486.2 (MANE Select); coding-DNA positions 995 to 1021, 27 bases deleted (ACGCCAGCCGTACCCCCAGCTCCCCAC).
Protein change: p.His332_Pro340del.
Molecular consequence: inframe deletion.
Genome position (GRCh38, 1-based): chr16:67,658,171-67,658,197, GTGGGGAGCTGGGGGTACGGCTGGCGT deleted on the plus strand (ACGCCAGCCGTACCCCCAGCTCCCCAC on the coding strand, the reverse complement: ACD is on the minus strand); deleting any 27 consecutive bases within chr16:67,658,171-67,658,204 gives the same sequence; the c. name uses the placement nearest the transcript's 3' end. VCF-style (leftmost placement, unchanged base first): chr16-67658170-AGTGGGGAGCTGGGGGTACGGCTGGCGT-A. GRCh37 (hg19) VCF-style: chr16-67692073-AGTGGGGAGCTGGGGGTACGGCTGGCGT-A.
Other names: c.908_934del, p.His303_Pro311del (NM_001410884.1); c.986_1012del, p.His329_Pro337del (NM_022914.3).
Identifiers: ClinVar variation 3605822 (VCV003605822.2).